The following is an entry in ClinVar:

NM_004606.5(TAF1):c.521C>T (p.Ser174Phe)

Gene: TAF1 (TATA-box binding protein associated factor 1; plus strand). Cytogenetic location: Xq13.1.
Variant type: single nucleotide variant.
Coding change: c.521C>T on transcript NM_004606.5 (MANE Select); coding-DNA position 521, C replaced by T.
Protein change: p.Ser174Phe; replaces serine 174 with phenylalanine.
Molecular consequence: missense variant. On other transcripts: non-coding transcript variant (9), intron variant (1).
Genome position (GRCh38, 1-based): chrX:71,376,998, C>T. VCF-style: chrX-71376998-C-T. GRCh37 (hg19) VCF-style: chrX-70596848-C-T.
Other names: c.521C>T, p.Ser174Phe (NM_001286074.2); c.473-15C>T (NM_138923.4); short protein forms S174F.
Identifiers: ClinVar variation 1937269 (VCV001937269.6), dbSNP rs2520123038, ClinGen allele CA413505897.

ClinVar aggregate classification (germline): Uncertain significance. Review status: criteria provided, multiple submitters, no conflicts (2 of 4 stars). 2 submissions from 2 submitters: Uncertain significance (2). Last evaluated 2023-03-10.

Submissions (2):

GeneDx
Classification: Uncertain significance. Last evaluated: 2023-03-10. Review status: criteria provided, single submitter. Criteria: GeneDx Variant Classification Process June 2021. Collection method: clinical testing. Allele origin: germline. Affected: yes.
Comment: Not observed at significant frequency in large population cohorts (gnomAD); In silico analysis supports that this missense variant does not alter protein structure/function; In silico analysis suggests this variant may impact gene splicing. In the absence of RNA/functional studies, the actual effect of this sequence change is unknown.; Has not been previously published as pathogenic or benign to our knowledge

Labcorp Genetics (formerly Invitae), Labcorp
Classification: Uncertain significance. Last evaluated: 2022-09-27. Review status: criteria provided, single submitter. Criteria: Invitae Variant Classification Sherloc (09022015). Collection method: clinical testing. Allele origin: germline.
Comment: In summary, the available evidence is currently insufficient to determine the role of this variant in disease. Therefore, it has been classified as a Variant of Uncertain Significance. Algorithms developed to predict the effect of sequence changes on RNA splicing suggest that this variant may create or strengthen a splice site. Algorithms developed to predict the effect of missense changes on protein structure and function are either unavailable or do not agree on the potential impact of this missense change (SIFT: "Tolerated"; PolyPhen-2: "Probably Damaging"; Align-GVGD: "Class C0"). This missense change has been observed in individual(s) with clinical features of TAF1-related conditions (Invitae). This variant is not present in population databases (gnomAD no frequency). This sequence change replaces serine, which is neutral and polar, with phenylalanine, which is neutral and non-polar, at codon 194 of the TAF1 protein (p.Ser194Phe).